The following is an entry in ClinVar:

ClinVar aggregate classification (germline): Uncertain significance (1 of 4 stars; one submission).

Conditions:
Cardiovascular phenotype. Identifiers: MedGen CN230736.

Submission:

Ambry Genetics
Classification: Uncertain significance for Cardiovascular phenotype. Last evaluated: 2026-01-27. Review status: criteria provided, single submitter. Criteria: Ambry Variant Classification Scheme 2023. Collection method: clinical testing. Allele origin: germline.
Comment: The c.1719A>G variant (also known as p.T573T), located in coding exon 30 of the TRDN gene, results from an A to G substitution at nucleotide position 1719. This nucleotide substitution does not change the amino acid at codon 573. This nucleotide position is highly conserved in available vertebrate species. In silico splice site analysis predicts that this alteration will weaken the native splice donor site. Based on the available evidence, the clinical significance of this variant remains unclear.

NM_006073.4(TRDN):c.1719A>G (p.Thr573=)

Gene: TRDN (triadin; minus strand). Cytogenetic location: 6q22.31.
Variant type: single nucleotide variant.
Coding change: c.1719A>G on transcript NM_006073.4 (MANE Select); coding-DNA position 1719, A replaced by G.
Protein change: p.Thr573=; no amino-acid change (threonine 573 retained).
Molecular consequence: synonymous variant.
Genome position (GRCh38, 1-based): chr6:123,271,140, T>C on the plus strand (A>G on the coding strand, the complement: TRDN is on the minus strand). VCF-style: chr6-123271140-T-C. GRCh37 (hg19) VCF-style: chr6-123592285-T-C.
Identifiers: ClinVar variation 4844298 (VCV004844298.1).